The following is an entry in ClinVar:

NM_000199.5(SGSH):c.1418G>A (p.Trp473Ter)

Gene: SGSH (N-sulfoglucosamine sulfohydrolase; minus strand). Cytogenetic location: 17q25.3.
Variant type: single nucleotide variant.
Coding change: c.1418G>A on transcript NM_000199.5 (MANE Select); coding-DNA position 1418, G replaced by A.
Protein change: p.Trp473Ter; replaces tryptophan 473 with a stop codon.
Molecular consequence: nonsense. On other transcripts: 3 prime UTR variant (2), non-coding transcript variant (1).
Genome position (GRCh38, 1-based): chr17:80,210,543, C>T on the plus strand (G>A on the coding strand, the complement: SGSH is on the minus strand). VCF-style: chr17-80210543-C-T. GRCh37 (hg19) VCF-style: chr17-78184342-C-T.
Other names: c.*505G>A (NM_001352921.3); c.*468G>A (NM_001352922.2); short protein forms W473*.
Identifiers: ClinVar variation 2752377 (VCV002752377.3), dbSNP rs2510855573, ClinGen allele CA401358475.

ClinVar aggregate classification (germline): Pathogenic (1 of 4 stars; one submission).

Conditions:
Mucopolysaccharidosis, MPS-III-A (MPS3A). Also called: Mucopolysaccharidosis type IIIA (Sanfilippo A); Mucopolysaccharidosis, type IIIA; mucopolysaccharidosis type 3A; MPS IIIA (Sanfilippo Syndrome Type A); HEPARAN SULFATE SULFATASE DEFICIENCY; SANFILIPPO SYNDROME A. Identifiers: Orphanet 581, Orphanet 79269, MedGen C0086647, MONDO:0009655, OMIM 252900.

Submission:

Labcorp Genetics (formerly Invitae), Labcorp
Classification: Pathogenic for Mucopolysaccharidosis, MPS-III-A. Last evaluated: 2023-08-14. Review status: criteria provided, single submitter. Criteria: Invitae Variant Classification Sherloc (09022015). Collection method: clinical testing. Allele origin: germline.
Comment: For these reasons, this variant has been classified as Pathogenic. This variant disrupts a region of the SGSH protein in which other variant(s) (p.Trp479*) have been determined to be pathogenic (PMID: 21204211). This suggests that this is a clinically significant region of the protein, and that variants that disrupt it are likely to be disease-causing. This premature translational stop signal has been observed in individual(s) with mucopolysaccharidosis type III (PMID: 34813777). This variant is not present in population databases (gnomAD no frequency). This sequence change creates a premature translational stop signal (p.Trp473*) in the SGSH gene. While this is not anticipated to result in nonsense mediated decay, it is expected to disrupt the last 30 amino acid(s) of the SGSH protein.

Literature cited by the submitters: PubMed 21204211; PubMed 34813777.